The following is an entry in ClinVar:

NM_000019.4(ACAT1):c.340C>T (p.Pro114Ser)

Gene: ACAT1 (acetyl-CoA acetyltransferase 1; plus strand). Cytogenetic location: 11q22.3.
Variant type: single nucleotide variant.
Coding change: c.340C>T on transcript NM_000019.4 (MANE Select); coding-DNA position 340, C replaced by T.
Protein change: p.Pro114Ser; replaces proline 114 with serine.
Molecular consequence: missense variant. On other transcripts: non-coding transcript variant (1), intron variant (1).
Genome position (GRCh38, 1-based): chr11:108,135,147, C>T. VCF-style: chr11-108135147-C-T. GRCh37 (hg19) VCF-style: chr11-108005874-C-T.
Other names: c.340C>T (NM_000019.3); c.340C>T, p.Pro114Ser (NM_001386677.1); c.43C>T, p.Pro15Ser (NM_001386679.1); c.70C>T, p.Pro24Ser (NM_001386681.1, NM_001386682.1, NM_001386685.1 and 6 more transcripts); c.120+3193C>T (NM_001386678.1); short protein forms P15S, P114S, P24S.
Identifiers: ClinVar variation 2150215 (VCV002150215.2), dbSNP rs2077445036, ClinGen allele CA382506691.
Genomic context (GRCh38, chr11:108,135,147, plus strand): 5'-TTCTGCAGTTGTGTTTGAGTATCGGTTTTTCAAAAGTGACTTATATTGGTTTTAGGCTTA[C>T]CTATTTCTACTCCATGTACCACCATAAACAAAGTTTGTGCTTCAGGAATGAAAGCCATCA-3'
Protein context (NP_000010.1, residues 104-124): TRQAVLGAGL[Pro114Ser]ISTPCTTINK

ClinVar aggregate classification (germline): Uncertain significance. Review status: criteria provided, multiple submitters, no conflicts (2 of 4 stars). 2 submissions from 2 submitters: Uncertain significance (2). Last evaluated 2025-08-23.

Conditions:
Deficiency of acetyl-CoA acetyltransferase. Also called: Beta-ketothiolase deficiency; 3-KETOTHIOLASE DEFICIENCY; 3-OXOTHIOLASE DEFICIENCY; MITOCHONDRIAL ACETOACETYL-CoA THIOLASE DEFICIENCY. Identifiers: Orphanet 134, MedGen C1536500, MONDO:0008760, OMIM 203750. Disease mechanism: loss of function.
Inborn genetic diseases. Identifiers: MedGen C0950123, MeSH D030342.

Allele frequency attached by ClinVar (database versions not stated): TOPMed 0.00001.

Submissions (2):

Ambry Genetics
Classification: Uncertain significance for Inborn genetic diseases. Last evaluated: 2025-08-23. Review status: criteria provided, single submitter. Criteria: Ambry Variant Classification Scheme 2023. Collection method: clinical testing. Allele origin: germline.

Labcorp Genetics (formerly Invitae), Labcorp
Classification: Uncertain significance for Deficiency of acetyl-CoA acetyltransferase. Last evaluated: 2022-05-27. Review status: criteria provided, single submitter. Criteria: Invitae Variant Classification Sherloc (09022015). Collection method: clinical testing. Allele origin: germline.
Comment: This sequence change replaces proline, which is neutral and non-polar, with serine, which is neutral and polar, at codon 114 of the ACAT1 protein (p.Pro114Ser). This variant is not present in population databases (gnomAD no frequency). This variant has not been reported in the literature in individuals affected with ACAT1-related conditions. Advanced modeling of protein sequence and biophysical properties (such as structural, functional, and spatial information, amino acid conservation, physicochemical variation, residue mobility, and thermodynamic stability) performed at Invitae indicates that this missense variant is not expected to disrupt ACAT1 protein function. In summary, the available evidence is currently insufficient to determine the role of this variant in disease. Therefore, it has been classified as a Variant of Uncertain Significance.